The following is an entry in ClinVar:

ClinVar aggregate classification (germline): Uncertain significance. Review status: criteria provided, multiple submitters, no conflicts (2 of 4 stars). 2 submissions from 2 submitters: Uncertain significance (2). Last evaluated 2025-07-15.

Conditions:
Cardiomyopathy (CMYO). Also called: Cardiomyopathies. Identifiers: Orphanet 167848, MedGen C0878544, MONDO:0004994, HP:0001638. Inheritance: Various modes of inheritance.
Hypertrophic cardiomyopathy. Also called: HYPERTROPHIC MYOCARDIOPATHY. Identifiers: Orphanet 217569, MedGen C0007194, MeSH D002312, MONDO:0005045, HP:0001639.

Allele frequency attached by ClinVar (database versions not stated): gnomAD exomes below 0.00001; TOPMed below 0.00001.
gnomAD v4.1: 2 of 1,614,066 alleles (0.00012%); highest among the groups gnomAD compares: East Asian, 0.0022%; no homozygotes.

Submissions (2):

Color Diagnostics, LLC DBA Color Health
Classification: Uncertain significance for Cardiomyopathy. Last evaluated: 2025-07-15. Review status: criteria provided, single submitter. Criteria: ACMG Guidelines, 2015. Collection method: clinical testing. Allele origin: germline.
Comment: This missense variant replaces glutamic acid with lysine at codon 64 of the MYH7 protein. Computational prediction suggests that this variant may not impact protein structure and function. To our knowledge, functional studies have not been reported for this variant. This variant has not been reported in individuals affected with MYH7-related disorders in the literature. This variant has not been identified in the general population by the Genome Aggregation Database (gnomAD). The available evidence is insufficient to determine the role of this variant in disease conclusively. Therefore, this variant is classified as a Variant of Uncertain Significance.

Labcorp Genetics (formerly Invitae), Labcorp
Classification: Uncertain significance for Hypertrophic cardiomyopathy. Last evaluated: 2024-12-27. Review status: criteria provided, single submitter. Criteria: Invitae Variant Classification Sherloc (09022015). Collection method: clinical testing. Allele origin: germline.
Comment: This sequence change replaces glutamic acid, which is acidic and polar, with lysine, which is basic and polar, at codon 64 of the MYH7 protein (p.Glu64Lys). This variant is not present in population databases (gnomAD no frequency). This variant has not been reported in the literature in individuals affected with MYH7-related conditions. ClinVar contains an entry for this variant (Variation ID: 2773975). Invitae Evidence Modeling of protein sequence and biophysical properties (such as structural, functional, and spatial information, amino acid conservation, physicochemical variation, residue mobility, and thermodynamic stability) indicates that this missense variant is not expected to disrupt MYH7 protein function with a negative predictive value of 95%. In summary, the available evidence is currently insufficient to determine the role of this variant in disease. Therefore, it has been classified as a Variant of Uncertain Significance.

NM_000257.4(MYH7):c.190G>A (p.Glu64Lys)

Gene: MYH7 (myosin heavy chain 7; minus strand). Cytogenetic location: 14q11.2.
Variant type: single nucleotide variant.
Coding change: c.190G>A on transcript NM_000257.4 (MANE Select); coding-DNA position 190, G replaced by A.
Protein change: p.Glu64Lys; replaces glutamic acid 64 with lysine.
Molecular consequence: missense variant.
Genome position (GRCh38, 1-based): chr14:23,433,543, C>T on the plus strand (G>A on the coding strand, the complement: MYH7 is on the minus strand). VCF-style: chr14-23433543-C-T. GRCh37 (hg19) VCF-style: chr14-23902752-C-T.
Other names: c.190G>A, p.Glu64Lys (NM_001407004.1); short protein forms E64K.
Identifiers: ClinVar variation 2773975 (VCV002773975.6), dbSNP rs1893032881, ClinGen allele CA389053618.